The following is an entry in ClinVar:

NM_000074.3(CD40LG):c.694C>T (p.Gln232Ter)

Gene: CD40LG (CD40 ligand; plus strand). Cytogenetic location: Xq26.3.
Variant type: single nucleotide variant.
Coding change: c.694C>T on transcript NM_000074.3 (MANE Select); coding-DNA position 694, C replaced by T.
Protein change: p.Gln232Ter; replaces glutamine 232 with a stop codon.
Molecular consequence: nonsense.
Genome position (GRCh38, 1-based): chrX:136,659,323, C>T. VCF-style: chrX-136659323-C-T. GRCh37 (hg19) VCF-style: chrX-135741482-C-T.
Other names: short protein forms Q232*.
Identifiers: ClinVar variation 934686 (VCV000934686.10), dbSNP rs2076127875, ClinGen allele CA414756607.

ClinVar aggregate classification (germline): Pathogenic (1 of 4 stars; one submission).

Conditions:
Hyper-IgM syndrome type 1. Also called: CD40 Ligand Deficiency; X-linked hyper-IgM syndrome; Immunodeficiency, X-linked, with hyper-IgM; Hyper-IgM Immunodeficiency Syndrome, Type 1. Identifiers: Orphanet 101088, MedGen C0398689, MONDO:0010626, OMIM 308230.

Submission:

Labcorp Genetics (formerly Invitae), Labcorp
Classification: Pathogenic for Hyper-IgM syndrome type 1. Last evaluated: 2025-08-24. Review status: criteria provided, single submitter. Criteria: Invitae Variant Classification Sherloc (09022015). Collection method: clinical testing. Allele origin: germline.
Comment: This sequence change creates a premature translational stop signal (p.Gln232*) in the CD40LG gene. While this is not anticipated to result in nonsense mediated decay, it is expected to disrupt the last 30 amino acid(s) of the CD40LG protein. This variant is not present in population databases (gnomAD no frequency). This premature translational stop signal has been observed in individuals with X-linked Hyper-IgM Immunodeficiency (PMID: 8550833, 18805740). ClinVar contains an entry for this variant (Variation ID: 934686). This variant disrupts the C-terminus of the CD40LG protein. Other variant(s) that disrupt this region (p.Ser236*) have been observed in individuals with CD40LG-related conditions (PMID: 11158612). This suggests that this may be a clinically significant region of the protein. For these reasons, this variant has been classified as Pathogenic.

Literature cited by the submitters: PubMed 8550833; PubMed 18805740; PubMed 11158612.